The following is an entry in ClinVar:

ClinVar aggregate classification (germline): Uncertain significance. Review status: criteria provided, multiple submitters, no conflicts (2 of 4 stars). 3 submissions from 3 submitters: Uncertain significance (3). Last evaluated 2025-07-14.

Conditions:
Hereditary pheochromocytoma and paraganglioma. Also called: Hereditary paragangliomas and pheochromocytomas; Hereditary Paraganglioma-Pheochromocytoma Syndromes; Hereditary pheochromocytoma-paraganglioma. Identifiers: Orphanet 29072, MedGen C4274332, MONDO:0017366.
Hereditary cancer-predisposing syndrome. Also called: Tumor predisposition; Hereditary Cancer Syndrome; Neoplastic Syndromes, Hereditary; Hereditary neoplastic syndrome. Identifiers: Orphanet 140162, MedGen C0027672, MeSH D009386, MONDO:0015356.

gnomAD v4.1: 1 of 1,614,166 alleles (0.000062%); highest among the groups gnomAD compares: Middle Eastern, 0.016%; no homozygotes.

Submissions (3):

Color Diagnostics, LLC DBA Color Health
Classification: Uncertain significance for Hereditary pheochromocytoma and paraganglioma. Last evaluated: 2025-07-14. Review status: criteria provided, single submitter. Criteria: ACMG Guidelines, 2015. Collection method: clinical testing. Allele origin: germline.
Comment: This missense variant replaces phenylalanine with leucine at codon 132 of the SDHAF2 protein. Computational prediction suggests that this variant may not impact protein structure and function. To our knowledge, functional studies have not been reported for this variant. This variant has not been reported in individuals affected with SDHAF2-related disorders in the literature. This variant has not been identified in the general population by the Genome Aggregation Database (gnomAD). The available evidence is insufficient to determine the role of this variant in disease conclusively. Therefore, this variant is classified as a Variant of Uncertain Significance.

Ambry Genetics
Classification: Uncertain significance for Hereditary cancer-predisposing syndrome. Last evaluated: 2025-06-21. Review status: criteria provided, single submitter. Criteria: Ambry Variant Classification Scheme 2023. Collection method: clinical testing. Allele origin: germline.
Comment: The p.F132L variant (also known as c.394T>C), located in coding exon 4 of the SDHAF2 gene, results from a T to C substitution at nucleotide position 394. The phenylalanine at codon 132 is replaced by leucine, an amino acid with highly similar properties. This amino acid position is conserved. In addition, this alteration is predicted to be tolerated by in silico analysis. Based on the available evidence, the clinical significance of this variant remains unclear.

Labcorp Genetics (formerly Invitae), Labcorp
Classification: Uncertain significance for Hereditary pheochromocytoma and paraganglioma. Last evaluated: 2024-08-15. Review status: criteria provided, single submitter. Criteria: Invitae Variant Classification Sherloc (09022015). Collection method: clinical testing. Allele origin: germline.
Comment: This sequence change replaces phenylalanine, which is neutral and non-polar, with leucine, which is neutral and non-polar, at codon 132 of the SDHAF2 protein (p.Phe132Leu). This variant is not present in population databases (gnomAD no frequency). This variant has not been reported in the literature in individuals affected with SDHAF2-related conditions. An algorithm developed to predict the effect of missense changes on protein structure and function outputs the following: PolyPhen-2: "Benign". The leucine amino acid residue is found in multiple mammalian species, which suggests that this missense change does not adversely affect protein function. In summary, the available evidence is currently insufficient to determine the role of this variant in disease. Therefore, it has been classified as a Variant of Uncertain Significance.

NM_017841.4(SDHAF2):c.394T>C (p.Phe132Leu)

Gene: SDHAF2 (succinate dehydrogenase complex assembly factor 2; plus strand). Cytogenetic location: 11q12.2.
Variant type: single nucleotide variant.
Coding change: c.394T>C on transcript NM_017841.4 (MANE Select); coding-DNA position 394, T replaced by C.
Protein change: p.Phe132Leu; replaces phenylalanine 132 with leucine.
Molecular consequence: missense variant.
Genome position (GRCh38, 1-based): chr11:61,445,964, T>C. VCF-style: chr11-61445964-T-C. GRCh37 (hg19) VCF-style: chr11-61213436-T-C.
Other names: short protein forms F132L.
Identifiers: ClinVar variation 3719537 (VCV003719537.4).